The following is an entry in ClinVar:

ClinVar aggregate classification (germline): Uncertain significance (1 of 4 stars; one submission).

Conditions:
Epidermolysis bullosa simplex 3, localized or generalized intermediate, with BP230 deficiency (EBS3). Also called: Epidermolysis bullosa simplex, autosomal recessive 2; Epidermolysis bullosa simplex due to BP230 deficiency. Identifiers: Orphanet 412181, MedGen C3809470, MONDO:0014180, OMIM 615425.
Hereditary sensory and autonomic neuropathy type 6. Also called: HSAN VI; Neuropathy, hereditary sensory and autonomic, type VI. Identifiers: Orphanet 314381, MedGen C3539003, MONDO:0013839, OMIM 614653.

gnomAD v4.1: 16 of 1,614,060 alleles (0.00099%); highest among the groups gnomAD compares: Middle Eastern, 0.016%; no homozygotes.

Submission:

Labcorp Genetics (formerly Invitae), Labcorp
Classification: Uncertain significance for Epidermolysis bullosa simplex 3, localized or generalized intermediate, with BP230 deficiency; Hereditary sensory and autonomic neuropathy type 6. Last evaluated: 2025-08-11. Review status: criteria provided, single submitter. Criteria: Invitae Variant Classification Sherloc (09022015). Collection method: clinical testing. Allele origin: germline.
Comment: This sequence change replaces valine, which is neutral and non-polar, with methionine, which is neutral and non-polar, at codon 1231 of the DST protein (p.Val1231Met). This variant is present in population databases (rs773581650, gnomAD 0.006%). This variant has not been reported in the literature in individuals affected with DST-related conditions. An algorithm developed to predict the effect of missense changes on protein structure and function (PolyPhen-2) suggests that this variant is likely to be disruptive. In summary, the available evidence is currently insufficient to determine the role of this variant in disease. Therefore, it has been classified as a Variant of Uncertain Significance.

NM_001723.7(DST):c.3691G>A (p.Val1231Met)

Gene: DST (dystonin; minus strand). Cytogenetic location: 6p12.1.
Variant type: single nucleotide variant.
Coding change: c.3691G>A on transcript NM_001723.7 (MANE Plus Clinical); coding-DNA position 3691, G replaced by A.
Protein change: p.Val1231Met; replaces valine 1231 with methionine.
Molecular consequence: missense variant. On other transcripts: intron variant (10).
Genome position (GRCh38, 1-based): chr6:56,620,343, C>T on the plus strand (G>A on the coding strand, the complement: DST is on the minus strand). VCF-style: chr6-56620343-C-T. GRCh37 (hg19) VCF-style: chr6-56485141-C-T.
Other names: c.4830+4187G>A (NM_001144769.5); c.4929+4187G>A (NM_001374722.1, NM_001374736.1); c.4956+4187G>A (NM_001374734.1); c.4416+4187G>A (NM_001144770.2); c.4296+4187G>A (NM_001374730.1, NM_001386100.1, NM_183380.4 and 1 more transcripts); c.3318+4187G>A (NM_015548.5); short protein forms V1231M.
Identifiers: ClinVar variation 4788927 (VCV004788927.1).
Genomic context (GRCh38, chr6:56,620,343, plus strand): 5'-TTCGTCTGGTAAAGGTGTTTTCCTCCAACTGATTGCGAAAATTCAGGAGGTTCTCTTCCA[C>T]GGCAGCTCTTTTAGCCTCGGCCTCTATGGTGAGCTGCCTCACCCGCTCCAGTTCTCTTTC-3'
Protein context (NP_001714.1, residues 1221-1241): TIEAEAKRAA[Val1231Met]EENLLNFRNQ